The following is an entry in ClinVar:

ClinVar aggregate classification (germline): Conflicting classifications of pathogenicity. Review status: criteria provided, conflicting classifications (1 of 4 stars). 2 submissions from 2 submitters: Uncertain significance (1); Likely benign (1). Last evaluated 2024-06-24.

Conditions:
Alpha thalassemia-X-linked intellectual disability syndrome (ATRX). Also called: ALPHA-THALASSEMIA/MENTAL RETARDATION SYNDROME, X-LINKED; ATR, NONDELETION TYPE; X-linked alpha-thalassemia-mental retardation syndrome; ATR-X syndrome; Alpha thalassemia mental retardation syndrome, nondeletion type, X-linked; XLMR hypotonic face syndrome. Identifiers: Orphanet 847, MedGen C1845055, MONDO:0010519, OMIM 301040.

Submissions (2):

GeneDx
Classification: Uncertain significance. Last evaluated: 2024-06-24. Review status: criteria provided, single submitter. Criteria: GeneDx Variant Classification Process June 2021. Collection method: clinical testing. Allele origin: germline. Affected: yes.
Comment: Not observed at significant frequency in large population cohorts (gnomAD); In silico analysis indicates that this variant does not alter splicing; Has not been previously published as pathogenic or benign to our knowledge

Labcorp Genetics (formerly Invitae), Labcorp
Classification: Likely benign for Alpha thalassemia-X-linked intellectual disability syndrome. Last evaluated: 2023-12-11. Review status: criteria provided, single submitter. Criteria: Invitae Variant Classification Sherloc (09022015). Collection method: clinical testing. Allele origin: germline.

NM_000489.6(ATRX):c.4215-4T>A

Gene: ATRX (ATRX chromatin remodeler; minus strand). Cytogenetic location: Xq21.1.
Variant type: single nucleotide variant.
Coding change: c.4215-4T>A on transcript NM_000489.6 (MANE Select); 4 bases into the intron before coding-DNA position 4215, T replaced by A.
Molecular consequence: intron variant.
Genome position (GRCh38, 1-based): chrX:77,654,204, A>T on the plus strand (T>A on the coding strand, the complement: ATRX is on the minus strand). VCF-style: chrX-77654204-A-T. GRCh37 (hg19) VCF-style: chrX-76909694-A-T.
Other names: c.4101-4T>A (NM_138270.5).
Identifiers: ClinVar variation 1676419 (VCV001676419.8), dbSNP rs2148451946, ClinGen allele CA2573159538.